The following is an entry in ClinVar:

ClinVar aggregate classification (germline): Uncertain significance. Review status: criteria provided, multiple submitters, no conflicts (2 of 4 stars). 3 submissions from 3 submitters: Uncertain significance (3). Last evaluated 2025-12-13.

Conditions:
DGUOK-related disorder. Also called: DGUOK-related condition.
Inborn genetic diseases. Identifiers: MedGen C0950123, MeSH D030342.

Allele frequency attached by ClinVar (database versions not stated): gnomAD 0.00001; TOPMed 0.00002; ESP Exome Variant Server 0.00008.
gnomAD v4.1: 13 of 1,613,466 alleles (0.00081%); highest among the groups gnomAD compares: Non-Finnish European, 0.001%; no homozygotes.

Submissions (3):

PreventionGenetics, part of Exact Sciences
Classification: Uncertain significance for DGUOK-related condition. Last evaluated: 2025-12-13. Review status: criteria provided, single submitter. Criteria: ACMG Guidelines, 2015. Collection method: clinical testing. Allele origin: germline.
Comment: The DGUOK c.22C>G variant is predicted to result in the amino acid substitution p.Leu8Val. To our knowledge, this variant has not been reported in the literature or in a large population database (gnomAD), indicating this variant is rare. At this time, the clinical significance of this variant is uncertain due to the absence of conclusive functional and genetic evidence.

Ambry Genetics
Classification: Uncertain significance for Inborn genetic diseases. Last evaluated: 2023-12-19. Review status: criteria provided, single submitter. Criteria: Ambry Variant Classification Scheme 2023. Collection method: clinical testing. Allele origin: germline.

Labcorp Genetics (formerly Invitae), Labcorp
Classification: Uncertain significance. Last evaluated: 2022-08-06. Review status: criteria provided, single submitter. Criteria: Invitae Variant Classification Sherloc (09022015). Collection method: clinical testing. Allele origin: germline.
Comment: This sequence change replaces leucine, which is neutral and non-polar, with valine, which is neutral and non-polar, at codon 8 of the DGUOK protein (p.Leu8Val). This variant is not present in population databases (gnomAD no frequency). This variant has not been reported in the literature in individuals affected with DGUOK-related conditions. Algorithms developed to predict the effect of missense changes on protein structure and function output the following: SIFT: "Tolerated"; PolyPhen-2: "Benign"; Align-GVGD: "Class C0". The valine amino acid residue is found in multiple mammalian species, which suggests that this missense change does not adversely affect protein function. Algorithms developed to predict the effect of sequence changes on RNA splicing suggest that this variant may create or strengthen a splice site. In summary, the available evidence is currently insufficient to determine the role of this variant in disease. Therefore, it has been classified as a Variant of Uncertain Significance.

NM_080916.3(DGUOK):c.22C>G (p.Leu8Val)

Genes: DGUOK (deoxyguanosine kinase; plus strand), LOC129934096 (ATAC-STARR-seq lymphoblastoid active region 16036; plus strand). Cytogenetic location: 2p13.1.
Variant type: single nucleotide variant.
Coding change: c.22C>G on transcript NM_080916.3 (MANE Select); coding-DNA position 22, C replaced by G.
Protein change: p.Leu8Val; replaces leucine 8 with valine.
Molecular consequence: missense variant. On other transcripts: 5 prime UTR variant (4), non-coding transcript variant (6).
Genome position (GRCh38, 1-based): chr2:73,926,932, C>G. VCF-style: chr2-73926932-C-G. GRCh37 (hg19) VCF-style: chr2-74154059-C-G.
Other names: c.22C>G, p.Leu8Val (NM_001318859.2, NM_080918.3); c.-157C>G (NM_001318860.2, NM_001318863.2); c.-243C>G (NM_001318861.2, NM_001318862.2); c.22C>G (NM_080916.1, NM_080916.2); short protein forms L8V.
Identifiers: ClinVar variation 1938143 (VCV001938143.4), dbSNP rs140284468, ClinGen allele CA50398070.